The following is an entry in ClinVar:

NM_022552.5(DNMT3A):c.336C>T (p.Gly112=)

Gene: DNMT3A (DNA methyltransferase 3 alpha; minus strand). Cytogenetic location: 2p23.3.
Variant type: single nucleotide variant.
Coding change: c.336C>T on transcript NM_022552.5 (MANE Select); coding-DNA position 336, C replaced by T.
Protein change: p.Gly112=; no amino-acid change (glycine 112 retained).
Molecular consequence: synonymous variant. On other transcripts: non-coding transcript variant (1).
Genome position (GRCh38, 1-based): chr2:25,282,553, G>A on the plus strand (C>T on the coding strand, the complement: DNMT3A is on the minus strand). VCF-style: chr2-25282553-G-A. GRCh37 (hg19) VCF-style: chr2-25505422-G-A.
Other names: c.336C>T, p.Gly112= (NM_001320892.2, NM_175629.2, NM_175630.1).
Identifiers: ClinVar variation 2703846 (VCV002703846.5), dbSNP rs779949977, ClinGen allele CA1556491.

ClinVar aggregate classification (germline): Likely benign. Review status: criteria provided, single submitter (1 of 4 stars). 2 submissions from 2 submitters: Likely benign (1). 1 of the submissions does not count toward it. Last evaluated 2023-12-09.

Conditions:
Tatton-Brown-Rahman overgrowth syndrome. Also called: Tall stature-intellectual disability-facial dysmorphism syndrome; Tatton-Brown-Rahman syndrome. Identifiers: Orphanet 404443, MedGen C4014545, MONDO:0014382, OMIM 615879.
DNMT3A-related disorder. Also called: DNMT3A-related disorders; DNMT3A-related condition.

Allele frequency attached by ClinVar (database versions not stated): TOPMed below 0.00001; gnomAD 0.00001; gnomAD exomes 0.00001; ExAC 0.00003.
gnomAD v4.1: 12 of 1,613,228 alleles (0.00074%); highest among the groups gnomAD compares: Middle Eastern, 0.033%; no homozygotes.

Submissions (2):

Labcorp Genetics (formerly Invitae), Labcorp
Classification: Likely benign for Tatton-Brown-Rahman overgrowth syndrome. Last evaluated: 2023-12-09. Review status: criteria provided, single submitter. Criteria: Invitae Variant Classification Sherloc (09022015). Collection method: clinical testing. Allele origin: germline.

PreventionGenetics, part of Exact Sciences
Classification: Likely benign for DNMT3A-related condition. Last evaluated: 2023-11-29. Review status: no assertion criteria provided. Collection method: clinical testing. Allele origin: germline. Not counted in ClinVar's aggregate classification.
Comment: This variant is classified as likely benign based on ACMG/AMP sequence variant interpretation guidelines (Richards et al. 2015 PMID: 25741868, with internal and published modifications).